The following is an entry in ClinVar:

NM_006206.6(PDGFRA):c.341G>A (p.Gly114Asp)

Gene: PDGFRA (platelet derived growth factor receptor alpha; plus strand). Cytogenetic location: 4q12.
Variant type: single nucleotide variant.
Coding change: c.341G>A on transcript NM_006206.6 (MANE Select); coding-DNA position 341, G replaced by A.
Protein change: p.Gly114Asp; replaces glycine 114 with aspartic acid.
Molecular consequence: missense variant.
Genome position (GRCh38, 1-based): chr4:54,261,386, G>A. VCF-style: chr4-54261386-G-A. GRCh37 (hg19) VCF-style: chr4-55127553-G-A.
Other names: c.341G>A, p.Gly114Asp (NM_001347827.2, NM_001347829.2); c.416G>A, p.Gly139Asp (NM_001347828.2); c.380G>A, p.Gly127Asp (NM_001347830.2); short protein forms G114D, G127D, G139D.
Identifiers: ClinVar variation 3664638 (VCV003664638.2).
Genomic context (GRCh38, chr4:54,261,386, plus strand): 5'-ACACAGGGTTGTACACTTGCTATTACAACCACACTCAGACAGAAGAGAATGAGCTTGAAG[G>A]CAGGCACATTTACATCTATGTGCCAGGTGAGTTGGCTGGGTCTCCAGGACCAAGCTTCTT-3'
Protein context (NP_006197.1, residues 104-124): HTQTEENELE[Gly114Asp]RHIYIYVPDP

ClinVar aggregate classification (germline): Uncertain significance (1 of 4 stars; one submission).

Conditions:
Gastrointestinal stromal tumor. Also called: Gastrointestinal stromal tumor, somatic; Gastrointestinal stroma tumor. Identifiers: Orphanet 44890, MedGen C0238198, MeSH D046152, MONDO:0011719, OMIM 606764, HP:0100723.

Submission:

Labcorp Genetics (formerly Invitae), Labcorp
Classification: Uncertain significance for Gastrointestinal stromal tumor. Last evaluated: 2024-09-27. Review status: criteria provided, single submitter. Criteria: Invitae Variant Classification Sherloc (09022015). Collection method: clinical testing. Allele origin: germline.
Comment: This sequence change replaces glycine, which is neutral and non-polar, with aspartic acid, which is acidic and polar, at codon 114 of the PDGFRA protein (p.Gly114Asp). This variant is not present in population databases (gnomAD no frequency). This variant has not been reported in the literature in individuals affected with PDGFRA-related conditions. Invitae Evidence Modeling of protein sequence and biophysical properties (such as structural, functional, and spatial information, amino acid conservation, physicochemical variation, residue mobility, and thermodynamic stability) indicates that this missense variant is not expected to disrupt PDGFRA protein function with a negative predictive value of 80%. In summary, the available evidence is currently insufficient to determine the role of this variant in disease. Therefore, it has been classified as a Variant of Uncertain Significance.